The following is an entry in ClinVar:

NM_212482.4(FN1):c.3130G>A (p.Val1044Met)

Gene: FN1 (fibronectin 1; minus strand). Cytogenetic location: 2q35.
Variant type: single nucleotide variant.
Coding change: c.3130G>A on transcript NM_212482.4 (MANE Select); coding-DNA position 3130, G replaced by A.
Protein change: p.Val1044Met; replaces valine 1044 with methionine.
Molecular consequence: missense variant.
Genome position (GRCh38, 1-based): chr2:215,404,512, C>T on the plus strand (G>A on the coding strand, the complement: FN1 is on the minus strand). VCF-style: chr2-215404512-C-T. GRCh37 (hg19) VCF-style: chr2-216269235-C-T.
Other names: c.3130G>A, p.Val1044Met (NM_001306129.2, NM_001306130.2, NM_001306131.2 and 13 more transcripts); short protein forms V1044M.
Identifiers: ClinVar variation 915850 (VCV000915850.10), dbSNP rs34043251, ClinGen allele CA2094794.

ClinVar aggregate classification (germline): Conflicting classifications of pathogenicity. Review status: criteria provided, conflicting classifications (1 of 4 stars). 3 submissions from 3 submitters: Uncertain significance (2); Likely benign (1). Last evaluated 2025-06-19.

Conditions:
Spondylometaphyseal dysplasia - Sutcliffe type. Also called: Spondylometaphyseal dysplasia, 'corner fracture' type; Spondylometaphyseal Dysplasia, Corner Fracture Type; Sutcliffe type of spondylometaphyseal dysplasia; Sutcliffe SMD. Identifiers: Orphanet 93315, MedGen C0432221, MONDO:0008479, OMIM 184255.
Glomerulopathy with fibronectin deposits 2 (GFND2). Identifiers: Orphanet 84090, MedGen C1866075, MONDO:0011165, OMIM 601894.
Chronic kidney disease. Identifiers: MedGen C1561643, MONDO:0005300, HP:0012622.

Allele frequency attached by ClinVar (database versions not stated): gnomAD exomes 0.00003 and 0.00006; ExAC 0.00007; gnomAD 0.00010; TOPMed 0.00013; ESP Exome Variant Server 0.00031; 1000 Genomes Project 30x 0.00047; 1000 Genomes Project 0.00060.

Submissions (3):

Labcorp Genetics (formerly Invitae), Labcorp
Classification: Likely benign. Last evaluated: 2025-06-19. Review status: criteria provided, single submitter. Criteria: Invitae Variant Classification Sherloc (09022015). Collection method: clinical testing. Allele origin: germline.

Fulgent Genetics
Classification: Uncertain significance for Spondylometaphyseal dysplasia - Sutcliffe type; Glomerulopathy with fibronectin deposits 2. Last evaluated: 2022-03-25. Review status: criteria provided, single submitter. Criteria: ACMG Guidelines, 2015. Collection method: clinical testing. Allele origin: unknown.

Cavalleri Lab, Royal College of Surgeons in Ireland
Classification: Uncertain significance for Chronic kidney disease. Last evaluated: 2020-05-28. Review status: criteria provided, single submitter. Criteria: ACMG Guidelines, 2015. Collection method: research. Allele origin: unknown. Inheritance: Autosomal dominant inheritance. Affected: yes.
Comment: PP2, PP3